The following is an entry in ClinVar:

ClinVar aggregate classification (germline): Conflicting classifications of pathogenicity. Review status: criteria provided, conflicting classifications (1 of 4 stars). 11 submissions from 11 submitters: Uncertain significance (8); Likely benign (2). 1 of the submissions does not count toward it. Last evaluated 2026-01-10.

Conditions:
Hereditary nonpolyposis colorectal neoplasms. Identifiers: MedGen C0009405, MeSH D003123.
Hereditary cancer-predisposing syndrome. Also called: Hereditary Cancer Syndrome; Hereditary neoplastic syndrome; Tumor predisposition; Neoplastic Syndromes, Hereditary. Identifiers: Orphanet 140162, MedGen C0027672, MeSH D009386, MONDO:0015356.
Lynch syndrome. Identifiers: Orphanet 144, MedGen C4552100, MONDO:0005835. Disease mechanism: loss of function.
Lynch syndrome 5 (LYNCH5). Also called: Colorectal cancer, hereditary nonpolyposis, type 5; Hereditary non-polyposis colorectal cancer, type 5. Identifiers: Orphanet 144, MedGen C1833477, MONDO:0013710, OMIM 614350. Disease mechanism: loss of function.
Endometrial carcinoma. Also called: Endometrial carcinoma, somatic. Identifiers: MedGen C0476089, MONDO:0002447, OMIM 608089, HP:0012114.

Allele frequency attached by ClinVar (database versions not stated): gnomAD 0.00003 and 0.00004; gnomAD exomes 0.00001; TOPMed 0.00002.
gnomAD v4.1: 18 of 1,613,974 alleles (0.0011%); highest among the groups gnomAD compares: Non-Finnish European, 0.0015%; no homozygotes.

Submissions (11):

Labcorp Genetics (formerly Invitae), Labcorp
Classification: Likely benign for Hereditary nonpolyposis colorectal neoplasms. Last evaluated: 2026-01-10. Review status: criteria provided, single submitter. Criteria: Invitae Variant Classification Sherloc (09022015). Collection method: clinical testing. Allele origin: germline.

Center for Genomic Medicine, Rigshospitalet, Copenhagen University Hospital
Classification: Uncertain significance. Last evaluated: 2025-12-29. Review status: criteria provided, single submitter. Criteria: ACMG Guidelines, 2015. Collection method: clinical testing. Allele origin: germline.

Ambry Genetics
Classification: Likely benign for Hereditary cancer-predisposing syndrome. Last evaluated: 2025-09-15. Review status: criteria provided, single submitter. Criteria: Ambry Variant Classification Scheme 2023. Collection method: clinical testing. Allele origin: germline.

GeneDx
Classification: Uncertain significance. Last evaluated: 2025-08-04. Review status: criteria provided, single submitter. Criteria: GeneDx Variant Classification Process June 2021. Collection method: clinical testing. Allele origin: germline. Affected: yes.
Comment: Observed in individuals with a personal or family history including colorectal cancer with normal MSH6 expression, breast/ovarian cancer, prostate cancer, and parathyroid adenoma (PMID: 32052251, 27153395, 33193653); Not observed at significant frequency in large population cohorts (gnomAD); In silico analysis suggests that this missense variant does not alter protein structure/function; This variant is associated with the following publications: (PMID: 27153395, 33193653, 32052251, 17531815, 21120944)

Color Diagnostics, LLC DBA Color Health
Classification: Uncertain significance for Hereditary cancer-predisposing syndrome. Last evaluated: 2025-04-28. Review status: criteria provided, single submitter. Criteria: ACMG Guidelines, 2015. Collection method: clinical testing. Allele origin: germline.
Comment: This missense variant replaces valine with leucine at codon 1078 of the MSH6 protein. Computational prediction suggests that this variant may not impact protein structure and function. To our knowledge, functional studies have not been reported for this variant. This variant has been reported in an individual affected with breast or ovarian cancer (PMID: 27153395), and in an individual affected with colorectal cancer who also had a pathogenic variant in the MUTYH gene (PMID: 33193653). In a large breast cancer case-control study, this variant has been reported in 4/60466 cases and 3/53461 unaffected controls (PMID: 33471991). This variant has been identified in 3/282788 chromosomes in the general population by the Genome Aggregation Database (gnomAD). The available evidence is insufficient to determine the role of this variant in disease conclusively. Therefore, this variant is classified as a Variant of Uncertain Significance.

Quest Diagnostics Nichols Institute San Juan Capistrano
Classification: Uncertain significance. Last evaluated: 2024-03-13. Review status: criteria provided, single submitter. Criteria: Quest Diagnostics criteria. Collection method: clinical testing. Allele origin: unknown.
Comment: The MSH6 c.3232G>C (p.Val1078Leu) variant has been reported in the published literature in individuals with breast and/or ovarian cancer (PMID: 27153395 (2016)), colorectal cancer (PMID: 33193653 (2020)), and Multiple Endocrine Neoplasia type 4 32052251 (2020). It was also reported in breast cancer cases as well as in reportedly healthy individuals in a large scale breast cancer association study (PMID: 33471991 (2021), see also LOVD). The frequency of this variant in the general population, 0.000023 (3/129138 chromosomes (Genome Aggregation Database)), is uninformative in the assessment of its pathogenicity. Analysis of this variant using bioinformatics tools for the prediction of the effect of amino acid changes on protein structure and function yielded predictions that this variant is benign. Based on the available information, we are unable to determine the clinical significance of this variant.

All of Us Research Program, National Institutes of Health
Classification: Uncertain significance for Lynch syndrome. Last evaluated: 2024-02-05. Review status: criteria provided, single submitter. Criteria: ACMG Guidelines, 2015. Collection method: clinical testing. Allele origin: germline. Inheritance: Autosomal dominant inheritance. Observed: 6 variant alleles, 6 heterozygotes.
Comment: This missense variant replaces valine with leucine at codon 1078 of the MSH6 protein. Computational prediction suggests that this variant may not impact protein structure and function (internally defined REVEL score threshold <= 0.5, PMID: 27666373). To our knowledge, functional studies have not been reported for this variant. This variant has been reported in an individual affected with breast or ovarian cancer (PMID: 27153395), and in an individual affected with colorectal cancer who also had a pathogenic MUTYH variant (PMID: 33193653). In a large breast cancer case-control study, this variant has been reported in 4/60466 cases and 3/53461 unaffected controls (PMID: 33471991). This variant has been identified in 3/282788 chromosomes in the general population by the Genome Aggregation Database (gnomAD). The available evidence is insufficient to determine the role of this variant in disease conclusively. Therefore, this variant is classified as a Variant of Uncertain Significance.

This study involves interpretation of variants in research participants for the purpose of population health screening. Participant phenotype was not available at the time of variant classification. Additional details can be found in publication PMID: 35346344, PMCID: PMC8962531

Baylor Genetics
Classification: Uncertain significance for Endometrial carcinoma. Last evaluated: 2023-12-02. Review status: criteria provided, single submitter. Criteria: ACMG Guidelines, 2015. Collection method: clinical testing. Allele origin: unknown.

Institute of Human Genetics, University of Leipzig Medical Center
Classification: Uncertain significance for Lynch syndrome 5. Last evaluated: 2023-07-02. Review status: criteria provided, single submitter. Criteria: ACMG Guidelines, 2015. Collection method: clinical testing. Allele origin: unknown. Inheritance: Autosomal dominant inheritance. Affected: yes.
Comment: Criteria applied: PM2_SUP,BP4

Myriad Genetics, Inc.
Classification: Uncertain significance for Lynch syndrome 5. Last evaluated: 2023-03-29. Review status: criteria provided, single submitter. Criteria: Myriad Autosomal Dominant, Autosomal Recessive and X-Linked Classification Criteria (2023). Collection method: clinical testing. Allele origin: unknown.
Comment: This variant is classified as a variant of uncertain significance as there is insufficient evidence to determine its impact on protein function and/or cancer risk.

Counsyl
Classification: Uncertain significance for Lynch syndrome 5. Last evaluated: 2017-06-13. Review status: no assertion criteria provided. Collection method: clinical testing. Allele origin: unknown. Not counted in ClinVar's aggregate classification.

Literature cited by the submitters: PubMed 33193653 (cited by 4 submitters); PubMed 27153395 (cited by 4 submitters); PubMed 33471991 (cited by 3 submitters); PubMed 32052251 (cited by Quest Diagnostics Nichols Institute San Juan Capistrano).

NM_000179.3(MSH6):c.3232G>C (p.Val1078Leu)

Gene: MSH6 (mutS homolog 6; plus strand). Cytogenetic location: 2p16.3.
Variant type: single nucleotide variant.
Coding change: c.3232G>C on transcript NM_000179.3 (MANE Select); coding-DNA position 3232, G replaced by C.
Protein change: p.Val1078Leu; replaces valine 1078 with leucine.
Molecular consequence: missense variant.
Genome position (GRCh38, 1-based): chr2:47,803,479, G>C. VCF-style: chr2-47803479-G-C. GRCh37 (hg19) VCF-style: chr2-48030618-G-C.
Other names: p.V1078L:GTA>CTA; c.2842G>C, p.Val948Leu (NM_001281492.2); c.2326G>C, p.Val776Leu (NM_001281493.2, NM_001281494.2); short protein forms V1078L, V948L, V776L.
Identifiers: ClinVar variation 127582 (VCV000127582.42), dbSNP rs587779932, ClinGen allele CA012092.